The following is an entry in ClinVar:

ClinVar aggregate classification (germline): Conflicting classifications of pathogenicity. Review status: criteria provided, conflicting classifications (1 of 4 stars). 2 submissions from 2 submitters: Uncertain significance (1); Likely benign (1). Last evaluated 2024-03-28.

Conditions:
Catecholaminergic polymorphic ventricular tachycardia (CVPT). Also called: Catecholamine-induced polymorphic ventricular tachycardia. Identifiers: Orphanet 3286, MedGen C5574922, MONDO:0017990.
Catecholaminergic polymorphic ventricular tachycardia 1. Also called: VENTRICULAR TACHYCARDIA, CATECHOLAMINERGIC POLYMORPHIC, 1, WITH OR WITHOUT ATRIAL DYSFUNCTION AND/OR DILATED CARDIOMYOPATHY; RYR2-Related Catecholaminergic Polymorphic Ventricular Tachycardia; VENTRICULAR TACHYCARDIA, STRESS-INDUCED POLYMORPHIC 1. Identifiers: Orphanet 3286, MedGen C1631597, MONDO:0011484, OMIM 604772.

Allele frequency attached by ClinVar (database versions not stated): TOPMed 0.00001; gnomAD 0.00002.
gnomAD v4.1: 3 of 1,613,720 alleles (0.00019%); highest among the groups gnomAD compares: African/African-American, 0.004%; no homozygotes.

Submissions (2):

Labcorp Genetics (formerly Invitae), Labcorp
Classification: Likely benign for Catecholaminergic polymorphic ventricular tachycardia 1. Last evaluated: 2024-03-28. Review status: criteria provided, single submitter. Criteria: Invitae Variant Classification Sherloc (09022015). Collection method: clinical testing. Allele origin: germline.

All of Us Research Program, National Institutes of Health
Classification: Uncertain significance for Catecholaminergic polymorphic ventricular tachycardia. Last evaluated: 2023-11-20. Review status: criteria provided, single submitter. Criteria: ACMG Guidelines, 2015. Collection method: clinical testing. Allele origin: germline. Inheritance: Autosomal dominant inheritance. Observed: 1 variant allele, 1 heterozygote.
Comment: This variant is located in the RYR2 protein. To our knowledge, functional studies have not been reported for this variant. This variant has not been reported in individuals affected with RYR2-related disorders in the literature. This variant has not been identified in the general population by the Genome Aggregation Database (gnomAD). The available evidence is insufficient to determine the role of this variant in disease conclusively. Therefore, this variant is classified as a Variant of Uncertain Significance.

This study involves interpretation of variants in research participants for the purpose of population health screening. Participant phenotype was not available at the time of variant classification. Additional details can be found in publication PMID: 35346344, PMCID: PMC8962531

NM_001035.3(RYR2):c.14475A>T (p.Gly4825=)

Gene: RYR2 (ryanodine receptor 2; plus strand). Cytogenetic location: 1q43.
Variant type: single nucleotide variant.
Coding change: c.14475A>T on transcript NM_001035.3 (MANE Select); coding-DNA position 14475, A replaced by T.
Protein change: p.Gly4825=; no amino-acid change (glycine 4825 retained).
Molecular consequence: synonymous variant.
Genome position (GRCh38, 1-based): chr1:237,819,077, A>T. VCF-style: chr1-237819077-A-T. GRCh37 (hg19) VCF-style: chr1-237982377-A-T.
Identifiers: ClinVar variation 1992264 (VCV001992264.5), dbSNP rs1468733041, ClinGen allele CA424051783.